The following is an entry in ClinVar:

NM_033026.6(PCLO):c.11603T>C (p.Ile3868Thr)

Gene: PCLO (piccolo presynaptic cytomatrix protein; minus strand). Cytogenetic location: 7q21.11.
Variant type: single nucleotide variant.
Coding change: c.11603T>C on transcript NM_033026.6 (MANE Select); coding-DNA position 11603, T replaced by C.
Protein change: p.Ile3868Thr; replaces isoleucine 3868 with threonine.
Molecular consequence: missense variant.
Genome position (GRCh38, 1-based): chr7:82,916,383, A>G on the plus strand (T>C on the coding strand, the complement: PCLO is on the minus strand). VCF-style: chr7-82916383-A-G. GRCh37 (hg19) VCF-style: chr7-82545699-A-G.
Other names: c.11603T>C, p.Ile3868Thr (NM_014510.3); c.11603T>C (NM_033026.5); short protein forms I3868T.
Identifiers: ClinVar variation 1485105 (VCV001485105.9), dbSNP rs537552637, ClinGen allele CA4319532.

ClinVar aggregate classification (germline): Uncertain significance. Review status: criteria provided, multiple submitters, no conflicts (2 of 4 stars). 3 submissions from 3 submitters: Uncertain significance (3). Last evaluated 2024-10-25.

Conditions:
Inborn genetic diseases. Identifiers: MedGen C0950123, MeSH D030342.

Allele frequency attached by ClinVar (database versions not stated): gnomAD 0.00001; TOPMed 0.00001; ExAC 0.00002; gnomAD exomes 0.00002; 1000 Genomes Project 30x 0.00016; 1000 Genomes Project 0.00020.
gnomAD v4.1: 13 of 1,613,728 alleles (0.00081%); highest among the groups gnomAD compares: East Asian, 0.027%; no homozygotes.

Submissions (3):

Labcorp Genetics (formerly Invitae), Labcorp
Classification: Uncertain significance. Last evaluated: 2024-10-25. Review status: criteria provided, single submitter. Criteria: Invitae Variant Classification Sherloc (09022015). Collection method: clinical testing. Allele origin: germline.
Comment: This sequence change replaces isoleucine, which is neutral and non-polar, with threonine, which is neutral and polar, at codon 3868 of the PCLO protein (p.Ile3868Thr). This variant is present in population databases (rs537552637, gnomAD 0.03%). This variant has not been reported in the literature in individuals affected with PCLO-related conditions. ClinVar contains an entry for this variant (Variation ID: 1485105). Experimental studies and prediction algorithms are not available or were not evaluated, and the functional significance of this variant is currently unknown. In summary, the available evidence is currently insufficient to determine the role of this variant in disease. Therefore, it has been classified as a Variant of Uncertain Significance.

Ambry Genetics
Classification: Uncertain significance for Inborn genetic diseases. Last evaluated: 2023-12-17. Review status: criteria provided, single submitter. Criteria: Ambry Variant Classification Scheme 2023. Collection method: clinical testing. Allele origin: germline.

GeneDx
Classification: Uncertain significance. Last evaluated: 2022-03-28. Review status: criteria provided, single submitter. Criteria: GeneDx Variant Classification Process June 2021. Collection method: clinical testing. Allele origin: germline. Affected: yes.
Comment: In silico analysis supports that this missense variant does not alter protein structure/function; Has not been previously published as pathogenic or benign to our knowledge; Variants in candidate genes are classified as variants of uncertain significance in accordance with ACMG guidelines (Richards et al., 2015)